The following is an entry in ClinVar:

NM_003816.3(ADAM9):c.646C>G (p.Leu216Val)

Gene: ADAM9 (ADAM metallopeptidase domain 9; plus strand). Cytogenetic location: 8p11.22.
Variant type: single nucleotide variant.
Coding change: c.646C>G on transcript NM_003816.3 (MANE Select); coding-DNA position 646, C replaced by G.
Protein change: p.Leu216Val; replaces leucine 216 with valine.
Molecular consequence: missense variant. On other transcripts: non-coding transcript variant (3).
Genome position (GRCh38, 1-based): chr8:39,018,892, C>G. VCF-style: chr8-39018892-C-G. GRCh37 (hg19) VCF-style: chr8-38876411-C-G.
Other names: short protein forms L216V.
Identifiers: ClinVar variation 2011578 (VCV002011578.4), dbSNP rs778948702, ClinGen allele CA4721391.

ClinVar aggregate classification (germline): Uncertain significance (1 of 4 stars; one submission).

Allele frequency attached by ClinVar (database versions not stated): gnomAD exomes below 0.00001; TOPMed below 0.00001; ExAC 0.00002.
gnomAD v4.1: 2 of 1,613,908 alleles (0.00012%); highest among the groups gnomAD compares: Admixed American, 0.0033%; no homozygotes.

Submission:

Labcorp Genetics (formerly Invitae), Labcorp
Classification: Uncertain significance. Last evaluated: 2023-07-17. Review status: criteria provided, single submitter. Criteria: Invitae Variant Classification Sherloc (09022015). Collection method: clinical testing. Allele origin: germline.
Comment: In summary, the available evidence is currently insufficient to determine the role of this variant in disease. Therefore, it has been classified as a Variant of Uncertain Significance. Advanced modeling of protein sequence and biophysical properties (such as structural, functional, and spatial information, amino acid conservation, physicochemical variation, residue mobility, and thermodynamic stability) performed at Invitae indicates that this missense variant is not expected to disrupt ADAM9 protein function. ClinVar contains an entry for this variant (Variation ID: 2011578). This variant has not been reported in the literature in individuals affected with ADAM9-related conditions. This variant is present in population databases (rs778948702, gnomAD 0.006%). This sequence change replaces leucine, which is neutral and non-polar, with valine, which is neutral and non-polar, at codon 216 of the ADAM9 protein (p.Leu216Val).